The following is an entry in ClinVar:

ClinVar aggregate classification (germline): Uncertain significance (1 of 4 stars; one submission).

Conditions:
Spermatogenic failure 18. Identifiers: MedGen C4539783, MONDO:0054615, OMIM 617576.
Ciliary dyskinesia, primary, 37 (CILD37). Also called: CILIARY DYSKINESIA, PRIMARY, 37, WITH OR WITHOUT SITUS INVERSUS. Identifiers: MedGen C4539798, MONDO:0033204, OMIM 617577.

Allele frequency attached by ClinVar (database versions not stated): gnomAD exomes below 0.00001.

Submission:

Labcorp Genetics (formerly Invitae), Labcorp
Classification: Uncertain significance for Ciliary dyskinesia, primary, 37; Spermatogenic failure 18. Last evaluated: 2020-12-27. Review status: criteria provided, single submitter. Criteria: Invitae Variant Classification Sherloc (09022015). Collection method: clinical testing. Allele origin: germline.
Comment: In summary, the available evidence is currently insufficient to determine the role of this variant in disease. Therefore, it has been classified as a Variant of Uncertain Significance. Algorithms developed to predict the effect of missense changes on protein structure and function are either unavailable or do not agree on the potential impact of this missense change (SIFT: "Deleterious"; PolyPhen-2: "Probably Damaging"; Align-GVGD: "Class C0"). This variant has not been reported in the literature in individuals with DNAH1-related conditions. This variant is not present in population databases (ExAC no frequency). This sequence change replaces cysteine with tyrosine at codon 2956 of the DNAH1 protein (p.Cys2956Tyr). The cysteine residue is highly conserved and there is a large physicochemical difference between cysteine and tyrosine.

NM_015512.5(DNAH1):c.8867G>A (p.Cys2956Tyr)

Gene: DNAH1 (dynein axonemal heavy chain 1; plus strand). Cytogenetic location: 3p21.1.
Variant type: single nucleotide variant.
Coding change: c.8867G>A on transcript NM_015512.5 (MANE Select); coding-DNA position 8867, G replaced by A.
Protein change: p.Cys2956Tyr; replaces cysteine 2956 with tyrosine.
Molecular consequence: missense variant.
Genome position (GRCh38, 1-based): chr3:52,386,717, G>A. VCF-style: chr3-52386717-G-A. GRCh37 (hg19) VCF-style: chr3-52420733-G-A.
Other names: short protein forms C2956Y.
Identifiers: ClinVar variation 1360541 (VCV001360541.8), dbSNP rs1578189986, ClinGen allele CA353192214.